The following is an entry in ClinVar:

ClinVar aggregate classification (germline): Conflicting classifications of pathogenicity. Review status: criteria provided, conflicting classifications (1 of 4 stars). 6 submissions from 6 submitters: Uncertain significance (1); Benign (1); Likely benign (2). 2 of the submissions do not count toward it. Last evaluated 2026-06-01.

Conditions:
Junctional epidermolysis bullosa. Identifiers: Orphanet 305, MedGen C0079301, MONDO:0017612.
LAMC2-related disorder. Also called: LAMC2-related condition.

Allele frequency attached by ClinVar (database versions not stated): gnomAD 0.00042 and 0.00046; TOPMed 0.00057; ESP Exome Variant Server 0.00062; 1000 Genomes Project 30x 0.00078; gnomAD exomes 0.00082; ExAC 0.00095; 1000 Genomes Project 0.00100.
gnomAD v4.1: 843 of 1,614,094 alleles (0.052%); highest among the groups gnomAD compares: Middle Eastern, 0.4%; 3 homozygotes.

Submissions (6):

CeGaT Center for Human Genetics Tuebingen
Classification: Likely benign. Last evaluated: 2026-06-01. Review status: criteria provided, single submitter. Criteria: CeGaT Center For Human Genetics Tuebingen Variant Classification Criteria Version 2. Collection method: clinical testing. Allele origin: germline. Affected: yes. Observed: 2 variant alleles.
Comment: LAMC2: BP4, BS2

Labcorp Genetics (formerly Invitae), Labcorp
Classification: Benign. Last evaluated: 2026-01-28. Review status: criteria provided, single submitter. Criteria: Invitae Variant Classification Sherloc (09022015). Collection method: clinical testing. Allele origin: germline.

Blueprint Genetics
Classification: Likely benign. Last evaluated: 2024-11-25. Review status: criteria provided, single submitter. Criteria: ACMG Guidelines, 2015. Collection method: clinical testing. Allele origin: germline.

Illumina Laboratory Services, Illumina
Classification: Uncertain significance for Junctional epidermolysis bullosa. Last evaluated: 2018-01-13. Review status: criteria provided, single submitter. Criteria: ICSL Variant Classification Criteria 13 December 2019. Collection method: clinical testing. Allele origin: germline.

PreventionGenetics, part of Exact Sciences
Classification: Likely benign for LAMC2-related condition. Last evaluated: 2023-12-26. Review status: no assertion criteria provided. Collection method: clinical testing. Allele origin: germline. Not counted in ClinVar's aggregate classification.
Comment: This variant is classified as likely benign based on ACMG/AMP sequence variant interpretation guidelines (Richards et al. 2015 PMID: 25741868, with internal and published modifications).

Department of Pathology and Laboratory Medicine, Sinai Health System
Classification: Uncertain significance. Review status: no assertion criteria provided. Collection method: clinical testing. Allele origin: unknown. Affected: yes. Study: The Canadian Open Genetics Repository (COGR). Not counted in ClinVar's aggregate classification.
Comment: The LAMC2 p.Ala200Glu variant was not identified in the literature but was identified in dbSNP (ID: rs138266625) and ClinVar (classified as benign by Invitae). The variant was identified in control databases in 214 of 282842 chromosomes at a frequency of 0.0007566 increasing the likelihood this could be a low frequency benign variant (Genome Aggregation Database March 6, 2019, v2.1.1). The variant was observed in the following populations: South Asian in 49 of 30616 chromosomes (freq: 0.0016), Latino in 48 of 35440 chromosomes (freq: 0.001354), Other in 9 of 7224 chromosomes (freq: 0.001246), European (non-Finnish) in 103 of 129150 chromosomes (freq: 0.000798), Ashkenazi Jewish in 2 of 10366 chromosomes (freq: 0.000193) and African in 3 of 24970 chromosomes (freq: 0.00012), but was not observed in the East Asian, or European (Finnish) populations. The p.Ala200 residue is not conserved in mammals and computational analyses (PolyPhen-2, SIFT, AlignGVGD, BLOSUM, MutationTaster) do not suggest a high likelihood of impact to the protein; however, this information is not predictive enough to rule out pathogenicity. The variant occurs outside of the splicing consensus sequence and in silico or computational prediction software programs (SpliceSiteFinder, MaxEntScan, NNSPLICE, GeneSplicer) do not predict a difference in splicing. In summary, based on the above information the clinical significance of this variant cannot be determined with certainty at this time. This variant is classified as a variant of uncertain significance.

NM_005562.3(LAMC2):c.599C>A (p.Ala200Glu)

Gene: LAMC2 (laminin subunit gamma 2; plus strand). Cytogenetic location: 1q25.3.
Variant type: single nucleotide variant.
Coding change: c.599C>A on transcript NM_005562.3 (MANE Select); coding-DNA position 599, C replaced by A.
Protein change: p.Ala200Glu; replaces alanine 200 with glutamic acid.
Molecular consequence: missense variant.
Genome position (GRCh38, 1-based): chr1:183,220,920, C>A. VCF-style: chr1-183220920-C-A. GRCh37 (hg19) VCF-style: chr1-183190055-C-A.
Other names: c.599C>A, p.Ala200Glu (NM_018891.3); short protein forms A200E.
Identifiers: ClinVar variation 740783 (VCV000740783.41), dbSNP rs138266625, ClinGen allele CA1282375.
Genomic context (GRCh38, chr1:183,220,920, plus strand): 5'-ACCCTGAGGGCTGTACCCAGTGTTTCTGCTATGGGCATTCAGCCAGCTGCCGCAGCTCTG[C>A]AGAATACAGTGTCCATAAGATCACCTCTACCTTTCATCAAGGTAAAGCCTTCTATTTTCT-3'
Protein context (NP_005553.2, residues 190-210): YGHSASCRSS[Ala200Glu]EYSVHKITST